The following is an entry in ClinVar:

NM_001458.5(FLNC):c.6802G>A (p.Glu2268Lys)

Genes: FLNC (filamin C; plus strand), FLNC-AS1 (FLNC antisense RNA 1; minus strand). Cytogenetic location: 7q32.1.
Variant type: single nucleotide variant.
Coding change: c.6802G>A on transcript NM_001458.5 (MANE Select); coding-DNA position 6802, G replaced by A.
Protein change: p.Glu2268Lys; replaces glutamic acid 2268 with lysine.
Molecular consequence: missense variant.
Genome position (GRCh38, 1-based): chr7:128,854,487, G>A. VCF-style: chr7-128854487-G-A. GRCh37 (hg19) VCF-style: chr7-128494541-G-A.
Other names: c.6703G>A, p.Glu2235Lys (NM_001127487.2); short protein forms E2235K, E2268K.
Identifiers: ClinVar variation 1302130 (VCV001302130.3), dbSNP rs1156444972, ClinGen allele CA369213742.

ClinVar aggregate classification (germline): Uncertain significance. Review status: criteria provided, multiple submitters, no conflicts (2 of 4 stars). 2 submissions from 2 submitters: Uncertain significance (2). Last evaluated 2026-03-27.

Conditions:
Cardiovascular phenotype. Identifiers: MedGen CN230736.

Allele frequency attached by ClinVar (database versions not stated): TOPMed below 0.00001.
gnomAD v4.1: 13 of 1,606,916 alleles (0.00081%); highest among the groups gnomAD compares: South Asian, 0.0011%; no homozygotes.

Submissions (2):

Molecular Diagnostic Laboratory for Inherited Cardiovascular Disease, Montreal Heart Institute
Classification: Uncertain significance for Cardiovascular phenotype. Last evaluated: 2026-03-27. Review status: criteria provided, single submitter. Criteria: ACMG Guidelines, 2015. Collection method: clinical testing. Allele origin: germline. Affected: yes.
Comment: PM2

GeneDx
Classification: Uncertain significance. Last evaluated: 2019-05-28. Review status: criteria provided, single submitter. Criteria: GeneDx Variant Classification Process June 2021. Collection method: clinical testing. Allele origin: germline. Affected: yes.
Comment: Not observed in large population cohorts (Lek et al., 2016); In silico analysis, which includes protein predictors and evolutionary conservation, supports that this variant does not alter protein structure/function; Has not been previously published as pathogenic or benign to our knowledge